The following is an entry in ClinVar:

NM_000393.5(COL5A2):c.4471G>T (p.Val1491Phe)

Gene: COL5A2 (collagen type V alpha 2 chain; minus strand). Cytogenetic location: 2q32.2.
Variant type: single nucleotide variant.
Coding change: c.4471G>T on transcript NM_000393.5 (MANE Select); coding-DNA position 4471, G replaced by T.
Protein change: p.Val1491Phe; replaces valine 1491 with phenylalanine.
Molecular consequence: missense variant.
Genome position (GRCh38, 1-based): chr2:189,034,099, C>A on the plus strand (G>T on the coding strand, the complement: COL5A2 is on the minus strand). VCF-style: chr2-189034099-C-A. GRCh37 (hg19) VCF-style: chr2-189898825-C-A.
Other names: short protein forms V1491F.
Identifiers: ClinVar variation 4535875 (VCV004535875.1).

ClinVar aggregate classification (germline): Uncertain significance (1 of 4 stars; one submission).

gnomAD v4.1: 1 of 1,613,962 alleles (0.000062%); highest among the groups gnomAD compares: Non-Finnish European, 0.000085%; no homozygotes.

Submission:

Women's Health and Genetics/Laboratory Corporation of America, LabCorp
Classification: Uncertain significance. Last evaluated: 2025-09-03. Review status: criteria provided, single submitter. Criteria: LabCorp Variant Classification Summary - May 2015. Collection method: clinical testing. Allele origin: germline.
Comment: Variant summary: COL5A2 c.4471G>T (p.Val1491Phe) results in a non-conservative amino acid change in the encoded protein sequence. Algorithms developed to predict the effect of missense changes on protein structure and function are either unavailable or do not agree on the potential impact of this missense change. The variant was absent in 251266 control chromosomes. The available data on variant occurrences in the general population are insufficient to allow any conclusion about variant significance. To our knowledge, no occurrence of c.4471G>T in individuals affected with COL5A2-related conditions and no experimental evidence demonstrating its impact on protein function have been reported. No submitters have cited clinical-significance assessments for this variant to ClinVar. Based on the evidence outlined above, the variant was classified as uncertain significance.